The following is an entry in ClinVar:

ClinVar aggregate classification (germline): Uncertain significance (1 of 4 stars; one submission).

Allele frequency attached by ClinVar (database versions not stated): TOPMed 0.00003; gnomAD exomes 0.00008 and 0.00002; ESP Exome Variant Server 0.00008; ExAC 0.00002; gnomAD 0.00003.

Submission:

Labcorp Genetics (formerly Invitae), Labcorp
Classification: Uncertain significance. Last evaluated: 2024-02-19. Review status: criteria provided, single submitter. Criteria: Invitae Variant Classification Sherloc (09022015). Collection method: clinical testing. Allele origin: germline.
Comment: This sequence change replaces arginine, which is basic and polar, with cysteine, which is neutral and slightly polar, at codon 295 of the EXTL3 protein (p.Arg295Cys). This variant is present in population databases (rs369682689, gnomAD 0.006%). This variant has not been reported in the literature in individuals affected with EXTL3-related conditions. ClinVar contains an entry for this variant (Variation ID: 1405011). Advanced modeling of protein sequence and biophysical properties (such as structural, functional, and spatial information, amino acid conservation, physicochemical variation, residue mobility, and thermodynamic stability) performed at Invitae indicates that this missense variant is not expected to disrupt EXTL3 protein function with a negative predictive value of 80%. In summary, the available evidence is currently insufficient to determine the role of this variant in disease. Therefore, it has been classified as a Variant of Uncertain Significance.

NM_001440.4(EXTL3):c.883C>T (p.Arg295Cys)

Gene: EXTL3 (exostosin like glycosyltransferase 3; plus strand). Cytogenetic location: 8p21.1.
Variant type: single nucleotide variant.
Coding change: c.883C>T on transcript NM_001440.4 (MANE Select); coding-DNA position 883, C replaced by T.
Protein change: p.Arg295Cys; replaces arginine 295 with cysteine.
Molecular consequence: missense variant.
Genome position (GRCh38, 1-based): chr8:28,716,942, C>T. VCF-style: chr8-28716942-C-T. GRCh37 (hg19) VCF-style: chr8-28574459-C-T.
Other names: short protein forms R295C.
Identifiers: ClinVar variation 1405011 (VCV001405011.6), dbSNP rs369682689, ClinGen allele CA4696085.